The following is an entry in ClinVar:

ClinVar aggregate classification (germline): Uncertain significance (1 of 4 stars; one submission).

Conditions:
Anauxetic dysplasia. Identifiers: Orphanet 93347, MedGen C1846796, MONDO:0011773.

gnomAD v4.1: 5 of 692,774 alleles (0.00072%); highest among the groups gnomAD compares: Admixed American, 0.004%; no homozygotes.

Submission:

Labcorp Genetics (formerly Invitae), Labcorp
Classification: Uncertain significance for Anauxetic dysplasia. Last evaluated: 2024-10-30. Review status: criteria provided, single submitter. Criteria: Invitae Variant Classification Sherloc (09022015). Collection method: clinical testing. Allele origin: germline.
Comment: This variant occurs in the RMRP gene, which encodes an RNA molecule that does not result in a protein product. This variant is present in population databases (no rsID available, gnomAD 0.004%). This variant has not been reported in the literature in individuals affected with RMRP-related conditions. Experimental studies and prediction algorithms are not available or were not evaluated, and the functional significance of this variant is currently unknown. In summary, the available evidence is currently insufficient to determine the role of this variant in disease. Therefore, it has been classified as a Variant of Uncertain Significance.

NR_003051.4(RMRP):n.198A>C

Gene: RMRP (RNA component of mitochondrial RNA processing endoribonuclease; minus strand). Cytogenetic location: 9p13.3.
Variant type: single nucleotide variant.
Molecular consequence: non-coding transcript variant (on NR_003051.4).
Genome position: GRCh38 VCF-style: chr9-35657822-T-G. GRCh37 (hg19) VCF-style: chr9-35657819-T-G.
Identifiers: ClinVar variation 3700722 (VCV003700722.2).